The following is an entry in ClinVar:

ClinVar aggregate classification (germline): Uncertain significance (1 of 4 stars; one submission).

Submission:

Labcorp Genetics (formerly Invitae), Labcorp
Classification: Uncertain significance. Last evaluated: 2024-11-19. Review status: criteria provided, single submitter. Criteria: Invitae Variant Classification Sherloc (09022015). Collection method: clinical testing. Allele origin: germline.
Comment: This sequence change replaces glutamic acid, which is acidic and polar, with glycine, which is neutral and non-polar, at codon 1014 of the MYH3 protein (p.Glu1014Gly). This variant is present in population databases (rs142778723, gnomAD 0.0009%). This variant has not been reported in the literature in individuals affected with MYH3-related conditions. Invitae Evidence Modeling of protein sequence and biophysical properties (such as structural, functional, and spatial information, amino acid conservation, physicochemical variation, residue mobility, and thermodynamic stability) has been performed for this missense variant. However, the output from this modeling did not meet the statistical confidence thresholds required to predict the impact of this variant on MYH3 protein function. In summary, the available evidence is currently insufficient to determine the role of this variant in disease. Therefore, it has been classified as a Variant of Uncertain Significance.

NM_002470.4(MYH3):c.3041A>G (p.Glu1014Gly)

Gene: MYH3 (myosin heavy chain 3; minus strand). Cytogenetic location: 17p13.1.
Variant type: single nucleotide variant.
Coding change: c.3041A>G on transcript NM_002470.4 (MANE Select); coding-DNA position 3041, A replaced by G.
Protein change: p.Glu1014Gly; replaces glutamic acid 1014 with glycine.
Molecular consequence: missense variant.
Genome position (GRCh38, 1-based): chr17:10,639,359, T>C on the plus strand (A>G on the coding strand, the complement: MYH3 is on the minus strand). VCF-style: chr17-10639359-T-C. GRCh37 (hg19) VCF-style: chr17-10542676-T-C.
Other names: short protein forms E1014G.
Identifiers: ClinVar variation 3670104 (VCV003670104.2).